The following is an entry in ClinVar:

ClinVar aggregate classification (germline): Pathogenic (1 of 4 stars; one submission).

Submission:

Labcorp Genetics (formerly Invitae), Labcorp
Classification: Pathogenic. Last evaluated: 2020-11-22. Review status: criteria provided, single submitter. Criteria: Invitae Variant Classification Sherloc (09022015). Collection method: clinical testing. Allele origin: germline.
Comment: This sequence change creates a premature translational stop signal (p.Asp834Thrfs*9) in the TONSL gene. It is expected to result in an absent or disrupted protein product. Loss-of-function variants in TONSL are known to be pathogenic (PMID: 30773277). This variant is not present in population databases (ExAC no frequency). This variant has not been reported in the literature in individuals with TONSL-related conditions. For these reasons, this variant has been classified as Pathogenic.

Literature cited by the submitters: PubMed 30773277.

NM_013432.5(TONSL):c.2500del (p.Asp834fs)

Genes: TONSL (tonsoku like, DNA repair protein; minus strand), TONSL-AS1 (TONSL antisense RNA 1; plus strand). Cytogenetic location: 8q24.3.
Variant type: Deletion.
Coding change: c.2500del on transcript NM_013432.5 (MANE Select); coding-DNA position 2500, one base deleted (G; older notation c.2500delG).
Protein change: p.Asp834fs; shifts the reading frame from aspartic acid 834.
Molecular consequence: frameshift variant.
Genome position (GRCh38, 1-based): chr8:144,435,933, C deleted on the plus strand (G on the coding strand, the reverse complement: TONSL is on the minus strand); the first of 4 consecutive C bases (chr8:144,435,933-144,435,936); deleting any one gives the same sequence. VCF-style (leftmost placement, unchanged base first): chr8-144435932-TC-T. GRCh37 (hg19) VCF-style: chr8-145661315-TC-T.
Other names: short protein forms D834fs.
Identifiers: ClinVar variation 1457972 (VCV001457972.1), dbSNP rs2130848959, ClinGen allele CA2573143024.